The following is an entry in ClinVar:

NM_177438.3(DICER1):c.2306A>G (p.Tyr769Cys)

Gene: DICER1 (dicer 1, ribonuclease III; minus strand). Cytogenetic location: 14q32.13.
Variant type: single nucleotide variant.
Coding change: c.2306A>G on transcript NM_177438.3 (MANE Select); coding-DNA position 2306, A replaced by G.
Protein change: p.Tyr769Cys; replaces tyrosine 769 with cysteine.
Molecular consequence: missense variant.
Genome position (GRCh38, 1-based): chr14:95,108,454, T>C on the plus strand (A>G on the coding strand, the complement: DICER1 is on the minus strand). VCF-style: chr14-95108454-T-C. GRCh37 (hg19) VCF-style: chr14-95574791-T-C.
Other names: c.2306A>G, p.Tyr769Cys (NM_001195573.1, NM_001271282.3, NM_001291628.2 and 1 more transcripts); short protein forms Y769C.
Identifiers: ClinVar variation 1515190 (VCV001515190.7), dbSNP rs2140033205, ClinGen allele CA390882330.

ClinVar aggregate classification (germline): Uncertain significance (1 of 4 stars; one submission).

Conditions:
DICER1-related tumor predisposition. Also called: DICER1 syndrome; DICER1-related pleuropulmonary blastoma cancer predisposition syndrome. Identifiers: Orphanet 284343, MedGen C3839822, MONDO:0100216.

Submission:

Labcorp Genetics (formerly Invitae), Labcorp
Classification: Uncertain significance for DICER1-related tumor predisposition. Last evaluated: 2021-11-08. Review status: criteria provided, single submitter. Criteria: Invitae Variant Classification Sherloc (09022015). Collection method: clinical testing. Allele origin: germline.
Comment: This variant is not present in population databases (gnomAD no frequency). This sequence change replaces tyrosine, which is neutral and polar, with cysteine, which is neutral and slightly polar, at codon 769 of the DICER1 protein (p.Tyr769Cys). This variant has not been reported in the literature in individuals affected with DICER1-related conditions. Algorithms developed to predict the effect of missense changes on protein structure and function (SIFT, PolyPhen-2, Align-GVGD) all suggest that this variant is likely to be disruptive. In summary, the available evidence is currently insufficient to determine the role of this variant in disease. Therefore, it has been classified as a Variant of Uncertain Significance.